The following is an entry in ClinVar:

ClinVar aggregate classification (germline): Likely benign. Review status: criteria provided, single submitter (1 of 4 stars). 2 submissions from 2 submitters: Likely benign (1). 1 of the submissions does not count toward it. Last evaluated 2022-07-22.

Conditions:
SEMA3F-related disorder. Also called: SEMA3F-related condition.

Allele frequency attached by ClinVar (database versions not stated): TOPMed 0.00007; ESP Exome Variant Server 0.00008; gnomAD 0.00010; ExAC 0.00012; gnomAD exomes 0.00014; 1000 Genomes Project 0.00040; 1000 Genomes Project 30x 0.00047.
gnomAD v4.1: 208 of 1,611,460 alleles (0.013%); highest among the groups gnomAD compares: Middle Eastern, 0.033%; no homozygotes.

Submissions (2):

Ambry Genetics
Classification: Likely benign. Last evaluated: 2022-07-22. Review status: criteria provided, single submitter. Criteria: Ambry Variant Classification Scheme 2023. Collection method: clinical testing. Allele origin: germline.

PreventionGenetics, part of Exact Sciences
Classification: Uncertain significance for SEMA3F-related condition. Last evaluated: 2024-09-12. Review status: no assertion criteria provided. Collection method: clinical testing. Allele origin: germline. Not counted in ClinVar's aggregate classification.
Comment: The SEMA3F c.482C>T variant is predicted to result in the amino acid substitution p.Ala161Val. To our knowledge, this variant has not been reported in the literature. This variant is reported in 0.021% of alleles in individuals of African descent in gnomAD. At this time, the clinical significance of this variant is uncertain due to the absence of conclusive functional and genetic evidence.

NM_004186.5(SEMA3F):c.482C>T (p.Ala161Val)

Gene: SEMA3F (semaphorin 3F; plus strand). Cytogenetic location: 3p21.31.
Variant type: single nucleotide variant.
Coding change: c.482C>T on transcript NM_004186.5 (MANE Select); coding-DNA position 482, C replaced by T.
Protein change: p.Ala161Val; replaces alanine 161 with valine.
Molecular consequence: missense variant. On other transcripts: intron variant (2).
Genome position (GRCh38, 1-based): chr3:50,175,121, C>T. VCF-style: chr3-50175121-C-T. GRCh37 (hg19) VCF-style: chr3-50212554-C-T.
Other names: c.252+771C>T (NM_001318798.2); c.456+771C>T (NM_001318800.2); c.482C>T (NM_004186.4); short protein forms A161V.
Identifiers: ClinVar variation 3159736 (VCV003159736.2), dbSNP rs374979219, ClinGen allele CA2411789.